The following is an entry in ClinVar:

NM_006767.4(LZTR1):c.2355A>G (p.Ala785=)

Gene: LZTR1 (leucine zipper like post translational regulator 1; plus strand). Cytogenetic location: 22q11.21.
Variant type: single nucleotide variant.
Coding change: c.2355A>G on transcript NM_006767.4 (MANE Select); coding-DNA position 2355, A replaced by G.
Protein change: p.Ala785=; no amino-acid change (alanine 785 retained).
Molecular consequence: synonymous variant.
Genome position (GRCh38, 1-based): chr22:20,996,915, A>G. VCF-style: chr22-20996915-A-G. GRCh37 (hg19) VCF-style: chr22-21351204-A-G.
Identifiers: ClinVar variation 561904 (VCV000561904.17), dbSNP rs751681487, ClinGen allele CA10119375.

ClinVar aggregate classification (germline): Benign/Likely benign. Review status: criteria provided, multiple submitters, no conflicts (2 of 4 stars). 5 submissions from 5 submitters: Benign (3); Likely benign (2). Last evaluated 2026-03-01.

Conditions:
Hereditary cancer-predisposing syndrome. Also called: Tumor predisposition; Hereditary Cancer Syndrome; Hereditary neoplastic syndrome; Neoplastic Syndromes, Hereditary. Identifiers: Orphanet 140162, MedGen C0027672, MeSH D009386, MONDO:0015356.
Cardiovascular phenotype. Identifiers: MedGen CN230736.

Allele frequency attached by ClinVar (database versions not stated): gnomAD 0.00003 and 0.00004; gnomAD exomes 0.00005 and 0.00028; TOPMed 0.00012; ExAC 0.00024.
gnomAD v4.1: 84 of 1,613,038 alleles (0.0052%); highest among the groups gnomAD compares: Admixed American, 0.13%; no homozygotes.

Submissions (5):

CeGaT Center for Human Genetics Tuebingen
Classification: Likely benign. Last evaluated: 2026-03-01. Review status: criteria provided, single submitter. Criteria: CeGaT Center For Human Genetics Tuebingen Variant Classification Criteria Version 2. Collection method: clinical testing. Allele origin: germline. Affected: yes. Observed: 1 variant allele.
Comment: LZTR1: BP4, BP7

Labcorp Genetics (formerly Invitae), Labcorp
Classification: Benign. Last evaluated: 2026-01-16. Review status: criteria provided, single submitter. Criteria: Invitae Variant Classification Sherloc (09022015). Collection method: clinical testing. Allele origin: germline.

Women's Health and Genetics/Laboratory Corporation of America, LabCorp
Classification: Benign. Last evaluated: 2020-10-17. Review status: criteria provided, single submitter. Criteria: LabCorp Variant Classification Summary - May 2015. Collection method: clinical testing. Allele origin: germline.

Ambry Genetics
Classification: Benign for Cardiovascular phenotype; Hereditary cancer-predisposing syndrome. Last evaluated: 2020-08-21. Review status: criteria provided, single submitter. Criteria: Ambry Variant Classification Scheme 2023. Collection method: clinical testing. Allele origin: germline.

GeneDx
Classification: Likely benign. Last evaluated: 2020-03-26. Review status: criteria provided, single submitter. Criteria: GeneDx Variant Classification Process June 2021. Collection method: clinical testing. Allele origin: germline. Affected: yes.